The following is an entry in ClinVar:

ClinVar aggregate classification (germline): Uncertain significance. Review status: criteria provided, multiple submitters, no conflicts (2 of 4 stars). 2 submissions from 2 submitters: Uncertain significance (2). Last evaluated 2025-04-01.

Conditions:
Charcot-Marie-Tooth disease, type I (CMT1). Also called: Charcot-Marie-Tooth, Type 1; Charcot-Marie-Tooth disease type 1. Identifiers: Orphanet 65753, MedGen C0751036, MONDO:0019011.

Submissions (2):

GeneDx
Classification: Uncertain significance. Last evaluated: 2025-04-01. Review status: criteria provided, single submitter. Criteria: GeneDx Variant Classification Process June 2021. Collection method: clinical testing. Allele origin: germline. Affected: yes.
Comment: Not observed at significant frequency in large population cohorts (gnomAD); In silico analysis supports that this missense variant has a deleterious effect on protein structure/function; Missense variants in this gene are a common cause of disease and they are underrepresented in the general population; Has not been previously published as pathogenic or benign to our knowledge; This variant is associated with the following publications: (PMID: 20461396, 26310628)

Labcorp Genetics (formerly Invitae), Labcorp
Classification: Uncertain significance for Charcot-Marie-Tooth disease, type I. Last evaluated: 2025-02-19. Review status: criteria provided, single submitter. Criteria: Invitae Variant Classification Sherloc (09022015). Collection method: clinical testing. Allele origin: germline.
Comment: This sequence change replaces leucine, which is neutral and non-polar, with proline, which is neutral and non-polar, at codon 14 of the MPZ protein (p.Leu14Pro). This variant is not present in population databases (gnomAD no frequency). This variant has not been reported in the literature in individuals affected with MPZ-related conditions. Experimental studies and prediction algorithms are not available or were not evaluated, and the functional significance of this variant is currently unknown. In summary, the available evidence is currently insufficient to determine the role of this variant in disease. Therefore, it has been classified as a Variant of Uncertain Significance.

NM_000530.8(MPZ):c.41T>C (p.Leu14Pro)

Gene: MPZ (myelin protein zero; minus strand). Cytogenetic location: 1q23.3.
Variant type: single nucleotide variant.
Coding change: c.41T>C on transcript NM_000530.8 (MANE Select); coding-DNA position 41, T replaced by C.
Protein change: p.Leu14Pro; replaces leucine 14 with proline.
Molecular consequence: missense variant.
Genome position (GRCh38, 1-based): chr1:161,309,865, A>G on the plus strand (T>C on the coding strand, the complement: MPZ is on the minus strand). VCF-style: chr1-161309865-A-G. GRCh37 (hg19) VCF-style: chr1-161279655-A-G.
Other names: c.41T>C, p.Leu14Pro (NM_001315491.2); short protein forms L14P.
Identifiers: ClinVar variation 4278866 (VCV004278866.2).